The following is an entry in ClinVar:

NM_177559.3(CSNK2A1):c.1061-3C>G

Gene: CSNK2A1 (casein kinase 2 alpha 1; minus strand). Cytogenetic location: 20p13.
Variant type: single nucleotide variant.
Coding change: c.1061-3C>G on transcript NM_177559.3 (MANE Select); 3 bases into the intron before coding-DNA position 1061, C replaced by G.
Molecular consequence: intron variant.
Genome position (GRCh38, 1-based): chr20:484,079, G>C on the plus strand (C>G on the coding strand, the complement: CSNK2A1 is on the minus strand). VCF-style: chr20-484079-G-C. GRCh37 (hg19) VCF-style: chr20-464723-G-C.
Other names: c.653-3C>G (NM_177560.3); c.1061-3C>G (NM_001362771.2, NM_001895.4, NM_001362770.2).
Identifiers: ClinVar variation 3900465 (VCV003900465.1).

ClinVar aggregate classification (germline): Uncertain significance (1 of 4 stars; one submission).

Submission:

GeneDx
Classification: Uncertain significance. Last evaluated: 2024-11-21. Review status: criteria provided, single submitter. Criteria: GeneDx Variant Classification Process June 2021. Collection method: clinical testing. Allele origin: germline. Affected: yes.
Comment: Has not been previously published as pathogenic or benign to our knowledge; In silico analysis supports a deleterious effect on splicing